The following is an entry in ClinVar:

ClinVar aggregate classification (germline): Pathogenic (1 of 4 stars; one submission).

Conditions:
Primary ciliary dyskinesia 9. Also called: CILIARY DYSKINESIA, PRIMARY, 9, WITH OR WITHOUT SITUS INVERSUS. Identifiers: Orphanet 244, MedGen C2676235, MONDO:0012906, OMIM 612444.

Submission:

Myriad Genetics, Inc.
Classification: Pathogenic for Primary ciliary dyskinesia 9. Last evaluated: 2024-05-14. Review status: criteria provided, single submitter. Criteria: Myriad Autosomal Dominant, Autosomal Recessive and X-Linked Classification Criteria (2023). Collection method: clinical testing. Allele origin: unknown.
Comment: NM_023036.4(DNAI2):c.1407_1408ins16(G470Tfs*28) is expected to be pathogenic in the context of primary ciliary dyskinesia, DNAI2-related. This variant is predicted to lead to an abnormal or absent protein product due to the creation of a premature termination codon in DNAI2, a gene where loss-of-function variants are known to be pathogenic. Please note: this variant was assessed in the context of healthy population screening.

NM_023036.6(DNAI2):c.1407_1408insACCCGGAGGCAGAAGA (p.Gly470fs)

Gene: DNAI2 (dynein axonemal intermediate chain 2; plus strand). Cytogenetic location: 17q25.1.
Variant type: Insertion.
Coding change: c.1407_1408insACCCGGAGGCAGAAGA on transcript NM_023036.6 (MANE Select); coding-DNA positions 1407 to 1408, ACCCGGAGGCAGAAGA inserted.
Protein change: p.Gly470fs; shifts the reading frame from glycine 470.
Molecular consequence: frameshift variant. On other transcripts: non-coding transcript variant (1).
Genome position: GRCh38 VCF-style: chr17-74310076-C-CACCCGGAGGCAGAAGA. GRCh37 (hg19) VCF-style: chr17-72306215-C-CACCCGGAGGCAGAAGA.
Other names: c.1371_1372insACCCGGAGGCAGAAGA, p.Gly458fs (NM_001172810.3); c.1407_1408insACCCGGAGGCAGAAGA, p.Gly470fs (NM_001353167.2); short protein forms G458fs, G470fs.
Identifiers: ClinVar variation 5010446 (VCV005010446.1).